The following is an entry in ClinVar:

NM_017780.4(CHD7):c.8791G>C (p.Val2931Leu)

Gene: CHD7 (chromodomain helicase DNA binding protein 7; plus strand). Cytogenetic location: 8q12.2.
Variant type: single nucleotide variant.
Coding change: c.8791G>C on transcript NM_017780.4 (MANE Select); coding-DNA position 8791, G replaced by C.
Protein change: p.Val2931Leu; replaces valine 2931 with leucine.
Molecular consequence: missense variant.
Genome position (GRCh38, 1-based): chr8:60,865,730, G>C. VCF-style: chr8-60865730-G-C. GRCh37 (hg19) VCF-style: chr8-61778289-G-C.
Other names: c.2644G>C, p.Val882Leu (NM_001316690.1); short protein forms V882L, V2931L.
Identifiers: ClinVar variation 2094023 (VCV002094023.4), dbSNP rs370271088, ClinGen allele CA371311959.

ClinVar aggregate classification (germline): Uncertain significance (1 of 4 stars; one submission).

Conditions:
CHARGE syndrome (CHARGE). Also called: Hittner Hirsch Kreh syndrome; CHARGE ASSOCIATION--COLOBOMA, HEART ANOMALY, CHOANAL ATRESIA, RETARDATION, GENITAL AND EAR ANOMALIES; Coloboma, heart anomaly, choanal atresia, retardation, genital and ear anomalies; CHARGE association; Hall-Hittner syndrome. Identifiers: Orphanet 138, MedGen C0265354, MONDO:0008965.

Submission:

Labcorp Genetics (formerly Invitae), Labcorp
Classification: Uncertain significance for CHARGE syndrome. Last evaluated: 2024-12-02. Review status: criteria provided, single submitter. Criteria: Invitae Variant Classification Sherloc (09022015). Collection method: clinical testing. Allele origin: germline.
Comment: This sequence change replaces valine, which is neutral and non-polar, with leucine, which is neutral and non-polar, at codon 2931 of the CHD7 protein (p.Val2931Leu). This variant is not present in population databases (gnomAD no frequency). This variant has not been reported in the literature in individuals affected with CHD7-related conditions. ClinVar contains an entry for this variant (Variation ID: 2094023). Invitae Evidence Modeling of protein sequence and biophysical properties (such as structural, functional, and spatial information, amino acid conservation, physicochemical variation, residue mobility, and thermodynamic stability) indicates that this missense variant is not expected to disrupt CHD7 protein function with a negative predictive value of 95%. In summary, the available evidence is currently insufficient to determine the role of this variant in disease. Therefore, it has been classified as a Variant of Uncertain Significance.